The following is an entry in ClinVar:

ClinVar aggregate classification (germline): Pathogenic (1 of 4 stars; one submission).

Conditions:
Kennedy disease (SMAX1). Also called: SPINAL AND BULBAR MUSCULAR ATROPHY, X-LINKED 1; KENNEDY SPINAL AND BULBAR MUSCULAR ATROPHY; Spinal and Bulbar Muscular Atrophy. Identifiers: Orphanet 481, MedGen C1839259, MONDO:0010735, OMIM 313200.
Androgen resistance syndrome (AIS). Also called: ANDROGEN RECEPTOR DEFICIENCY; DIHYDROTESTOSTERONE RECEPTOR DEFICIENCY; TESTICULAR FEMINIZATION SYNDROME; Androgen insensitivity syndrome; Androgen insensitivity; DHTR DEFICIENCY. Identifiers: Orphanet 754, Orphanet 99429, MedGen C0039585, MONDO:0019154, OMIM 300068. Disease mechanism: loss of function.

Submission:

Labcorp Genetics (formerly Invitae), Labcorp
Classification: Pathogenic for Kennedy disease; Androgen resistance syndrome. Last evaluated: 2024-11-13. Review status: criteria provided, single submitter. Criteria: Invitae Variant Classification Sherloc (09022015). Collection method: clinical testing. Allele origin: germline.
Comment: This sequence change creates a premature translational stop signal (p.Gln859*) in the AR gene. While this is not anticipated to result in nonsense mediated decay, it is expected to disrupt the last 62 amino acid(s) of the AR protein. This variant is not present in population databases (gnomAD no frequency). This variant has not been reported in the literature in individuals affected with AR-related conditions. This variant disrupts a region of the AR protein in which other variant(s) (p.Val890Met) have been determined to be pathogenic (PMID: 8126121, 10690872, 14974091, 15925895, 20150575, 24737579). This suggests that this is a clinically significant region of the protein, and that variants that disrupt it are likely to be disease-causing. For these reasons, this variant has been classified as Pathogenic.

Literature cited by the submitters: PubMed 8126121; PubMed 10690872; PubMed 14974091; PubMed 15925895; PubMed 20150575; PubMed 24737579.

NM_000044.6(AR):c.2575C>T (p.Gln859Ter)

Gene: AR (androgen receptor; plus strand). Cytogenetic location: Xq12.
Variant type: single nucleotide variant.
Coding change: c.2575C>T on transcript NM_000044.6 (MANE Select); coding-DNA position 2575, C replaced by T.
Protein change: p.Gln859Ter; replaces glutamine 859 with a stop codon.
Molecular consequence: nonsense.
Genome position (GRCh38, 1-based): chrX:67,722,952, C>T. VCF-style: chrX-67722952-C-T. GRCh37 (hg19) VCF-style: chrX-66942794-C-T.
Other names: c.979C>T, p.Gln327Ter (NM_001011645.3); short protein forms Q327*, Q859*.
Identifiers: ClinVar variation 3759772 (VCV003759772.2).
Genomic context (GRCh38, chrX:67,722,952, plus strand): 5'-CTCGATCGTATCATTGCATGCAAAAGAAAAAATCCCACATCCTGCTCAAGACGCTTCTAC[C>T]AGCTCACCAAGCTCCTGGACTCCGTGCAGCCTGTAAGCAAACGATGGAGGGTGCTTTATC-3'